The following is an entry in ClinVar:

ClinVar aggregate classification (germline): Uncertain significance. Review status: criteria provided, multiple submitters, no conflicts (2 of 4 stars). 3 submissions from 3 submitters: Uncertain significance (3). Last evaluated 2024-03-13.

Conditions:
Nephronophthisis 16 (NPHP16). Identifiers: Orphanet 655, MedGen C3809320, MONDO:0014158, OMIM 615382.

Allele frequency attached by ClinVar (database versions not stated): gnomAD exomes 0.00005; ExAC 0.00007; 1000 Genomes Project 30x 0.00031; 1000 Genomes Project 0.00040.
gnomAD v4.1: 84 of 1,614,076 alleles (0.0052%); highest among the groups gnomAD compares: Admixed American, 0.012%; 1 homozygote.

Submissions (3):

Blueprint Genetics
Classification: Uncertain significance. Last evaluated: 2024-03-13. Review status: criteria provided, single submitter. Criteria: ACMG Guidelines, 2015. Collection method: clinical testing. Allele origin: germline.

Fulgent Genetics
Classification: Uncertain significance for Nephronophthisis 16. Last evaluated: 2024-02-08. Review status: criteria provided, single submitter. Criteria: ACMG Guidelines, 2015. Collection method: clinical testing. Allele origin: germline.

Labcorp Genetics (formerly Invitae), Labcorp
Classification: Uncertain significance for Nephronophthisis 16. Last evaluated: 2022-06-19. Review status: criteria provided, single submitter. Criteria: Invitae Variant Classification Sherloc (09022015). Collection method: clinical testing. Allele origin: germline.
Comment: This sequence change replaces arginine, which is basic and polar, with glutamine, which is neutral and polar, at codon 467 of the ANKS6 protein (p.Arg467Gln). This variant is present in population databases (rs541130489, gnomAD 0.006%). This variant has not been reported in the literature in individuals affected with ANKS6-related conditions. Algorithms developed to predict the effect of missense changes on protein structure and function (SIFT, PolyPhen-2, Align-GVGD) all suggest that this variant is likely to be disruptive. In summary, the available evidence is currently insufficient to determine the role of this variant in disease. Therefore, it has been classified as a Variant of Uncertain Significance.

NM_173551.5(ANKS6):c.1400G>A (p.Arg467Gln)

Gene: ANKS6 (ankyrin repeat and sterile alpha motif domain containing 6; minus strand). Cytogenetic location: 9q22.33.
Variant type: single nucleotide variant.
Coding change: c.1400G>A on transcript NM_173551.5 (MANE Select); coding-DNA position 1400, G replaced by A.
Protein change: p.Arg467Gln; replaces arginine 467 with glutamine.
Molecular consequence: missense variant.
Genome position (GRCh38, 1-based): chr9:98,778,393, C>T on the plus strand (G>A on the coding strand, the complement: ANKS6 is on the minus strand). VCF-style: chr9-98778393-C-T. GRCh37 (hg19) VCF-style: chr9-101540675-C-T.
Other names: short protein forms R467Q.
Identifiers: ClinVar variation 2049583 (VCV002049583.3), dbSNP rs541130489, ClinGen allele CA5153508.